The following is an entry in ClinVar:

NM_025114.4(CEP290):c.4680A>G (p.Gln1560=)

Gene: CEP290 (centrosomal protein 290; minus strand). Cytogenetic location: 12q21.32.
Variant type: single nucleotide variant.
Coding change: c.4680A>G on transcript NM_025114.4 (MANE Select); coding-DNA position 4680, A replaced by G.
Protein change: p.Gln1560=; no amino-acid change (glutamine 1560 retained).
Molecular consequence: synonymous variant.
Genome position (GRCh38, 1-based): chr12:88,084,610, T>C on the plus strand (A>G on the coding strand, the complement: CEP290 is on the minus strand). VCF-style: chr12-88084610-T-C. GRCh37 (hg19) VCF-style: chr12-88478387-T-C.
Other names: c.4680A>G (NM_025114.3).
Identifiers: ClinVar variation 2929472 (VCV002929472.4), dbSNP rs2036436821, ClinGen allele CA481076423.

ClinVar aggregate classification (germline): Likely benign. Review status: criteria provided, single submitter (1 of 4 stars). 2 submissions from 2 submitters: Likely benign (1). 1 of the submissions does not count toward it. Last evaluated 2023-07-14.

Conditions:
CEP290-related disorder. Also called: CEP290-related condition; CEP290-related disorders. Identifiers: MedGen CN239314.
Joubert syndrome. Also called: CEREBELLOPARENCHYMAL DISORDER IV; JOUBERT-BOLTSHAUSER SYNDROME; Familial aplasia of the vermis. Identifiers: Orphanet 475, MedGen C5979921, MONDO:0018772.
Nephronophthisis. Also called: Juvenile Nephronophthisis. Identifiers: Orphanet 655, MedGen C0687120, MONDO:0019005, HP:0000090.
Meckel-Gruber syndrome. Also called: DYSENCEPHALIA SPLANCHNOCYSTICA; GRUBER SYNDROME; Dysencephalia splachnocystica. Identifiers: Orphanet 564, MedGen C0265215, MONDO:0018921.

Allele frequency attached by ClinVar (database versions not stated): TOPMed below 0.00001; gnomAD 0.00001.
gnomAD v4.1: 5 of 1,612,130 alleles (0.00031%); highest among the groups gnomAD compares: Admixed American, 0.005%; no homozygotes.

Submissions (2):

Labcorp Genetics (formerly Invitae), Labcorp
Classification: Likely benign for Joubert syndrome; Meckel-Gruber syndrome; Nephronophthisis. Last evaluated: 2023-07-14. Review status: criteria provided, single submitter. Criteria: Invitae Variant Classification Sherloc (09022015). Collection method: clinical testing. Allele origin: germline.

PreventionGenetics, part of Exact Sciences
Classification: Likely benign for CEP290-related condition. Last evaluated: 2021-03-10. Review status: no assertion criteria provided. Collection method: clinical testing. Allele origin: germline. Not counted in ClinVar's aggregate classification.
Comment: This variant is classified as likely benign based on ACMG/AMP sequence variant interpretation guidelines (Richards et al. 2015 PMID: 25741868, with internal and published modifications).